The following is an entry in ClinVar:

ClinVar aggregate classification (germline): Uncertain significance (1 of 4 stars; one submission).

Conditions:
Charcot-Marie-Tooth disease type 4. Also called: Charcot-Marie-Tooth disease, type IV; Charcot-Marie-Tooth, Type 4. Identifiers: Orphanet 64749, MedGen C4082197, MONDO:0018995.

gnomAD v4.1: 19 of 1,614,042 alleles (0.0012%); highest among the groups gnomAD compares: Non-Finnish European, 0.0015%; no homozygotes.

Submission:

Labcorp Genetics (formerly Invitae), Labcorp
Classification: Uncertain significance for Charcot-Marie-Tooth disease type 4. Last evaluated: 2022-03-21. Review status: criteria provided, single submitter. Criteria: Invitae Variant Classification Sherloc (09022015). Collection method: clinical testing. Allele origin: germline.
Comment: In summary, the available evidence is currently insufficient to determine the role of this variant in disease. Therefore, it has been classified as a Variant of Uncertain Significance. Advanced modeling of protein sequence and biophysical properties (such as structural, functional, and spatial information, amino acid conservation, physicochemical variation, residue mobility, and thermodynamic stability) performed at Invitae indicates that this missense variant is not expected to disrupt SH3TC2 protein function. ClinVar contains an entry for this variant (Variation ID: 840651). This variant has not been reported in the literature in individuals affected with SH3TC2-related conditions. The frequency data for this variant in the population databases is considered unreliable, as metrics indicate poor data quality at this position in the gnomAD database. This sequence change replaces alanine, which is neutral and non-polar, with threonine, which is neutral and polar, at codon 1153 of the SH3TC2 protein (p.Ala1153Thr).

NM_024577.4(SH3TC2):c.3457G>A (p.Ala1153Thr)

Gene: SH3TC2 (SH3 domain and tetratricopeptide repeats 2; minus strand). Cytogenetic location: 5q32.
Variant type: single nucleotide variant.
Coding change: c.3457G>A on transcript NM_024577.4 (MANE Select); coding-DNA position 3457, G replaced by A.
Protein change: p.Ala1153Thr; replaces alanine 1153 with threonine.
Molecular consequence: missense variant.
Genome position (GRCh38, 1-based): chr5:149,008,872, C>T on the plus strand (G>A on the coding strand, the complement: SH3TC2 is on the minus strand). VCF-style: chr5-149008872-C-T. GRCh37 (hg19) VCF-style: chr5-148388435-C-T.
Other names: short protein forms A1153T.
Identifiers: ClinVar variation 840651 (VCV000840651.8), dbSNP rs778351829, ClinGen allele CA128997533.